The following is an entry in ClinVar:

ClinVar aggregate classification (germline): Uncertain significance (1 of 4 stars; one submission).

Conditions:
Familial hypocalciuric hypercalcemia (FHH). Also called: Familial benign hypercalcemia. Identifiers: Orphanet 405, MedGen C1809471, MONDO:0018458.
Autosomal dominant hypocalcemia 1 (HYPOC1). Also called: HYPOCALCEMIA, FAMILIAL. Identifiers: MedGen C3715128, MONDO:0011013, OMIM 601198.

Submission:

Labcorp Genetics (formerly Invitae), Labcorp
Classification: Uncertain significance for Familial hypocalciuric hypercalcemia; Autosomal dominant hypocalcemia 1. Last evaluated: 2017-06-15. Review status: criteria provided, single submitter. Criteria: Invitae Variant Classification Sherloc (09022015). Collection method: clinical testing. Allele origin: germline.
Comment: In summary, this variant has uncertain impact on CASR function. The available evidence is currently insufficient to determine its role in disease. Therefore, it has been classified as a Variant of Uncertain Significance. Algorithms developed to predict the effect of missense changes on protein structure and function (SIFT, PolyPhen-2, Align-GVGD) all suggest that this variant is likely to be tolerated, but these predictions have not been confirmed by published functional studies and their clinical significance is uncertain. This variant has not been reported in the literature in individuals with a CASR-related disease. This variant is not present in population databases (ExAC no frequency). This sequence change replaces lysine with arginine at codon 984 of the CASR protein (p.Lys984Arg). The lysine residue is highly conserved and there is a small physicochemical difference between lysine and arginine.

NM_000388.4(CASR):c.2951A>G (p.Lys984Arg)

Gene: CASR (calcium sensing receptor; plus strand). Cytogenetic location: 3q21.1.
Variant type: single nucleotide variant.
Coding change: c.2951A>G on transcript NM_000388.4 (MANE Select); coding-DNA position 2951, A replaced by G.
Protein change: p.Lys984Arg; replaces lysine 984 with arginine.
Molecular consequence: missense variant.
Genome position (GRCh38, 1-based): chr3:122,284,905, A>G. VCF-style: chr3-122284905-A-G. GRCh37 (hg19) VCF-style: chr3-122003752-A-G.
Other names: c.2981A>G, p.Lys994Arg (NM_001178065.2); short protein forms K984R, K994R.
Identifiers: ClinVar variation 463939 (VCV000463939.10), dbSNP rs1553769261, ClinGen allele CA354161129.